The following is an entry in ClinVar:

ClinVar aggregate classification (germline): Pathogenic. Review status: criteria provided, single submitter (1 of 4 stars). 2 submissions from 2 submitters: Pathogenic (1). 1 of the submissions does not count toward it. Last evaluated 2023-11-06.

Conditions:
Lysinuric protein intolerance (LPI). Identifiers: Orphanet 470, MedGen C0268647, MONDO:0009109, OMIM 222700.

Submissions (2):

Institute of Human Genetics, University of Leipzig Medical Center
Classification: Pathogenic for Lysinuric protein intolerance. Last evaluated: 2023-11-06. Review status: criteria provided, single submitter. Criteria: ACMG Guidelines, 2015. Collection method: clinical testing. Allele origin: unknown. Inheritance: Autosomal recessive inheritance. Affected: yes.
Comment: Criteria applied: PVS1,PM3,PM2_SUP

Juha Muilu Group; Institute for Molecular Medicine Finland (FIMM)
Classification: Likely pathogenic for Lysinuric protein intolerance. Review status: no assertion criteria provided. Collection method: not provided. Allele origin: unknown. Not counted in ClinVar's aggregate classification.
Comment: FinDis database variant: This variant was not found or characterized by our laboratory, data were collected from public sources: see reference
ClinVar note: Converted during submission from probable-pathogenic to Likely pathogenic.

NM_003982.4(SLC7A7):c.254_255del (p.Phe85fs)

Gene: SLC7A7 (solute carrier family 7 member 7; minus strand). Cytogenetic location: 14q11.2.
Variant type: Deletion.
Coding change: c.254_255del on transcript NM_003982.4 (MANE Select); coding-DNA positions 254 to 255, 2 bases deleted (TT; older notation c.254_255delTT).
Protein change: p.Phe85fs; shifts the reading frame from phenylalanine 85.
Molecular consequence: frameshift variant.
Genome position (GRCh38, 1-based): chr14:22,813,144-22,813,145, AA deleted on the plus strand (TT on the coding strand, the reverse complement: SLC7A7 is on the minus strand); deleting any 2 consecutive bases within chr14:22,813,144-22,813,146 gives the same sequence; the c. name uses the placement nearest the transcript's 3' end. VCF-style (leftmost placement, unchanged base first): chr14-22813143-CAA-C. GRCh37 (hg19) VCF-style: chr14-23282352-CAA-C.
Other names: c.254_255delTT (NM_001126105.2); c.254_255del, p.Phe85fs (NM_001126105.3, NM_001126106.4); short protein forms F85fs.
Identifiers: ClinVar variation 56365 (VCV000056365.4), dbSNP rs386833813, ClinGen allele CA263810.
Genomic context (GRCh38, chr14:22,813,143, plus strand): 5'-AGGCATAGCTGGCCCCAGATTTCTTAATGGTGGTGCCCAGTTCCGCATAACAAAGGGCCC[CAA>C]AGACGGAGAAGAGGCCCCCGACAGCCCAGATGACCAGAGAGAGACCAAAGGAGGCACTGT-3'